The following is an entry in ClinVar:

ClinVar aggregate classification (germline): Uncertain significance. Review status: criteria provided, multiple submitters, no conflicts (2 of 4 stars). 2 submissions from 2 submitters: Uncertain significance (2). Last evaluated 2025-11-30.

Conditions:
Hereditary cancer-predisposing syndrome. Also called: Hereditary neoplastic syndrome; Neoplastic Syndromes, Hereditary; Tumor predisposition; Hereditary Cancer Syndrome. Identifiers: Orphanet 140162, MedGen C0027672, MeSH D009386, MONDO:0015356.
Fanconi anemia complementation group O. Also called: RAD51C-Related Fanconi Anemia. Identifiers: Orphanet 84, MedGen C3150653, MONDO:0013248, OMIM 613390.

Submissions (2):

Labcorp Genetics (formerly Invitae), Labcorp
Classification: Uncertain significance for Fanconi anemia complementation group O. Last evaluated: 2025-11-30. Review status: criteria provided, single submitter. Criteria: Invitae Variant Classification Sherloc (09022015). Collection method: clinical testing. Allele origin: germline.
Comment: This sequence change replaces alanine, which is neutral and non-polar, with valine, which is neutral and non-polar, at codon 273 of the RAD51C protein (p.Ala273Val). This variant is not present in population databases (gnomAD no frequency). This variant has not been reported in the literature in individuals affected with RAD51C-related conditions. ClinVar contains an entry for this variant (Variation ID: 484736). Invitae Evidence Modeling of protein sequence and biophysical properties (such as structural, functional, and spatial information, amino acid conservation, physicochemical variation, residue mobility, and thermodynamic stability) has been performed for this missense variant. However, the output from this modeling did not meet the statistical confidence thresholds required to predict the impact of this variant on RAD51C protein function. In summary, the available evidence is currently insufficient to determine the role of this variant in disease. Therefore, it has been classified as a Variant of Uncertain Significance.

Ambry Genetics
Classification: Uncertain significance for Hereditary cancer-predisposing syndrome. Last evaluated: 2025-11-22. Review status: criteria provided, single submitter. Criteria: Ambry Variant Classification Scheme 2023. Collection method: clinical testing. Allele origin: germline.
Comment: The p.A273V variant (also known as c.818C>T), located in coding exon 5 of the RAD51C gene, results from a C to T substitution at nucleotide position 818. The alanine at codon 273 is replaced by valine, an amino acid with similar properties. This amino acid position is well conserved in available vertebrate species. In addition, the in silico prediction for this alteration is inconclusive. Since supporting evidence is limited at this time, the clinical significance of this alteration remains unclear.

NM_058216.3(RAD51C):c.818C>T (p.Ala273Val)

Gene: RAD51C (RAD51 paralog C; plus strand). Cytogenetic location: 17q22.
Variant type: single nucleotide variant.
Coding change: c.818C>T on transcript NM_058216.3 (MANE Select); coding-DNA position 818, C replaced by T.
Protein change: p.Ala273Val; replaces alanine 273 with valine.
Molecular consequence: missense variant. On other transcripts: non-coding transcript variant (1).
Genome position (GRCh38, 1-based): chr17:58,709,971, C>T. VCF-style: chr17-58709971-C-T. GRCh37 (hg19) VCF-style: chr17-56787332-C-T.
Other names: short protein forms A273V.
Identifiers: ClinVar variation 484736 (VCV000484736.12), dbSNP rs1555599262, ClinGen allele CA400354329.